The following is an entry in ClinVar:

NM_006231.4(POLE):c.3447G>A (p.Ala1149=)

Gene: POLE (DNA polymerase epsilon, catalytic subunit; minus strand). Cytogenetic location: 12q24.33.
Variant type: single nucleotide variant.
Coding change: c.3447G>A on transcript NM_006231.4 (MANE Select); coding-DNA position 3447, G replaced by A.
Protein change: p.Ala1149=; no amino-acid change (alanine 1149 retained).
Molecular consequence: synonymous variant.
Genome position (GRCh38, 1-based): chr12:132,657,361, C>T on the plus strand (G>A on the coding strand, the complement: POLE is on the minus strand). VCF-style: chr12-132657361-C-T. GRCh37 (hg19) VCF-style: chr12-133233947-C-T.
Identifiers: ClinVar variation 653058 (VCV000653058.23), dbSNP rs758702382, ClinGen allele CA6893231.

ClinVar aggregate classification (germline): Conflicting classifications of pathogenicity. Review status: criteria provided, conflicting classifications (1 of 4 stars). 5 submissions from 5 submitters: Uncertain significance (1); Likely benign (4). Last evaluated 2026-01-04.

Conditions:
Hereditary cancer-predisposing syndrome. Also called: Neoplastic Syndromes, Hereditary; Hereditary Cancer Syndrome; Tumor predisposition; Hereditary neoplastic syndrome. Identifiers: Orphanet 140162, MedGen C0027672, MeSH D009386, MONDO:0015356.

Allele frequency attached by ClinVar (database versions not stated): ExAC 0.00002; TOPMed 0.00002; gnomAD exomes below 0.00001 and 0.00001; gnomAD 0.00001.
gnomAD v4.1: 7 of 1,613,854 alleles (0.00043%); highest among the groups gnomAD compares: African/African-American, 0.0013%; no homozygotes.

Submissions (5):

Labcorp Genetics (formerly Invitae), Labcorp
Classification: Likely benign. Last evaluated: 2026-01-04. Review status: criteria provided, single submitter. Criteria: Invitae Variant Classification Sherloc (09022015). Collection method: clinical testing. Allele origin: germline.

CeGaT Center for Human Genetics Tuebingen
Classification: Likely benign. Last evaluated: 2025-08-01. Review status: criteria provided, single submitter. Criteria: CeGaT Center For Human Genetics Tuebingen Variant Classification Criteria Version 2. Collection method: clinical testing. Allele origin: germline. Affected: yes. Observed: 2 variant alleles.
Comment: POLE: BP4, BP7

Center for Genomic Medicine, Rigshospitalet, Copenhagen University Hospital
Classification: Likely benign. Last evaluated: 2025-03-04. Review status: criteria provided, single submitter. Criteria: ACMG Guidelines, 2015. Collection method: clinical testing. Allele origin: germline.

Sema4
Classification: Uncertain significance for Hereditary cancer-predisposing syndrome. Last evaluated: 2021-04-23. Review status: criteria provided, single submitter. Criteria: Sema4 Curation Guidelines. Collection method: curation. Allele origin: germline.
Comment: The POLE c.3447G>A (p.A1149=) variant has not been reported in the literature to our knowledge. It was observed in 1/19950 chromosomes of the East Asian subpopulation in the large and broad cohorts of the Genome Aggregation Database. The variant has been reported in ClinVar (Variation ID: 653058). In silico tools suggest that the variant may create or strengthen a cryptic acceptor splice site, though these predictions have not been confirmed by functional studies. The evidence is insufficient to meet ACMG/AMP criteria for classifying the variant as benign or pathogenic. Thus, the clinical significance of this variant is currently uncertain.

Ambry Genetics
Classification: Likely benign for Hereditary cancer-predisposing syndrome. Last evaluated: 2015-09-24. Review status: criteria provided, single submitter. Criteria: Ambry Variant Classification Scheme 2023. Collection method: clinical testing. Allele origin: germline.